The following is an entry in ClinVar:

NM_001286445.3(RIPOR2):c.2745C>T (p.Leu915=)

Gene: RIPOR2 (RHO family interacting cell polarization regulator 2; minus strand). Cytogenetic location: 6p22.3.
Variant type: single nucleotide variant.
Coding change: c.2745C>T on transcript NM_001286445.3 (MANE Select); coding-DNA position 2745, C replaced by T.
Protein change: p.Leu915=; no amino-acid change (leucine 915 retained).
Molecular consequence: synonymous variant.
Genome position (GRCh38, 1-based): chr6:24,825,349, G>A on the plus strand (C>T on the coding strand, the complement: RIPOR2 is on the minus strand). VCF-style: chr6-24825349-G-A. GRCh37 (hg19) VCF-style: chr6-24825577-G-A.
Other names: c.2658C>T, p.Leu886= (NM_001346031.2, NM_001346032.2); c.2808C>T, p.Leu936= (NM_014722.5); c.2808C>T (NM_014722.4).
Identifiers: ClinVar variation 2182324 (VCV002182324.7), dbSNP rs376314031, ClinGen allele CA3659075.

ClinVar aggregate classification (germline): Likely benign. Review status: criteria provided, multiple submitters, no conflicts (2 of 4 stars). 3 submissions from 3 submitters: Likely benign (2). 1 of the submissions does not count toward it. Last evaluated 2024-10-03.

Conditions:
RIPOR2-related disorder. Also called: RIPOR2-related condition.

Allele frequency attached by ClinVar (database versions not stated): gnomAD 0.00013; ExAC 0.00022; ESP Exome Variant Server 0.00044.
gnomAD v4.1: 423 of 1,552,038 alleles (0.027%); highest among the groups gnomAD compares: South Asian, 0.039%; 1 homozygote.

Submissions (3):

Blueprint Genetics
Classification: Likely benign. Last evaluated: 2024-10-03. Review status: criteria provided, single submitter. Criteria: ACMG Guidelines, 2015. Collection method: clinical testing. Allele origin: germline.

Labcorp Genetics (formerly Invitae), Labcorp
Classification: Likely benign. Last evaluated: 2022-03-04. Review status: criteria provided, single submitter. Criteria: Invitae Variant Classification Sherloc (09022015). Collection method: clinical testing. Allele origin: germline.

PreventionGenetics, part of Exact Sciences
Classification: Likely benign for RIPOR2-related condition. Last evaluated: 2019-07-23. Review status: no assertion criteria provided. Collection method: clinical testing. Allele origin: germline. Not counted in ClinVar's aggregate classification.
Comment: This variant is classified as likely benign based on ACMG/AMP sequence variant interpretation guidelines (Richards et al. 2015 PMID: 25741868, with internal and published modifications).